The following is an entry in ClinVar:

NM_033225.6(CSMD1):c.5055T>C (p.His1685=)

Gene: CSMD1 (CUB and Sushi multiple domains 1; minus strand). Cytogenetic location: 8p23.2.
Variant type: single nucleotide variant.
Coding change: c.5055T>C on transcript NM_033225.6 (MANE Select); coding-DNA position 5055, T replaced by C.
Protein change: p.His1685=; no amino-acid change (histidine 1685 retained).
Molecular consequence: synonymous variant.
Genome position (GRCh38, 1-based): chr8:3,201,655, A>G on the plus strand (T>C on the coding strand, the complement: CSMD1 is on the minus strand). VCF-style: chr8-3201655-A-G. GRCh37 (hg19) VCF-style: chr8-3059177-A-G.
Identifiers: ClinVar variation 2658334 (VCV002658334.24), dbSNP rs778857929, ClinGen allele CA4607106.
Genomic context (GRCh38, chr8:3,201,655, plus strand): 5'-AATTCTTTAAGACTTACCTGAGTGAGACCCCGAGAGTGAGCTGAGAAGTCTGGCCTGTGC[A>G]TGGGTTCCATCAAATAATTCTGCCAAATCATTCAGGGCTGTCTGGAAATAGGCAAACTGT-3'
Protein context (NP_150094.5, residues 1675-1695): NDLAELFDGT[His1685=]AQARLLSSLS

ClinVar aggregate classification (germline): Likely benign (1 of 4 stars; one submission).

Allele frequency attached by ClinVar (database versions not stated): gnomAD 0.00001; ExAC 0.00006.
gnomAD v4.1: 6 of 1,606,636 alleles (0.00037%); highest among the groups gnomAD compares: Middle Eastern, 0.016%; no homozygotes.

Submission:

CeGaT Center for Human Genetics Tuebingen
Classification: Likely benign. Last evaluated: 2022-10-01. Review status: criteria provided, single submitter. Criteria: CeGaT Center For Human Genetics Tuebingen Variant Classification Criteria Version 2. Collection method: clinical testing. Allele origin: germline. Affected: yes. Observed: 1 variant allele.
Comment: CSMD1: BP4, BP7